The following is an entry in ClinVar:

NM_005391.5(PDK3):c.340A>G (p.Lys114Glu)

Gene: PDK3 (pyruvate dehydrogenase kinase 3; plus strand). Cytogenetic location: Xp22.11.
Variant type: single nucleotide variant.
Coding change: c.340A>G on transcript NM_005391.5 (MANE Select); coding-DNA position 340, A replaced by G.
Protein change: p.Lys114Glu; replaces lysine 114 with glutamic acid.
Molecular consequence: missense variant.
Genome position (GRCh38, 1-based): chrX:24,503,346, A>G. VCF-style: chrX-24503346-A-G. GRCh37 (hg19) VCF-style: chrX-24521463-A-G.
Other names: c.340A>G, p.Lys114Glu (NM_001142386.3); short protein forms K114E.
Identifiers: ClinVar variation 3001452 (VCV003001452.3), dbSNP rs768094116, ClinGen allele CA10372279.

ClinVar aggregate classification (germline): Uncertain significance (1 of 4 stars; one submission).

Conditions:
Charcot-Marie-Tooth disease X-linked dominant 6. Also called: CHARCOT-MARIE-TOOTH NEUROPATHY, X-LINKED DOMINANT, 6. Identifiers: Orphanet 352675, MedGen C3806702, MONDO:0010479, OMIM 300905.

Allele frequency attached by ClinVar (database versions not stated): ExAC 0.00001; TOPMed 0.00002.

Submission:

Labcorp Genetics (formerly Invitae), Labcorp
Classification: Uncertain significance for Charcot-Marie-Tooth disease X-linked dominant 6. Last evaluated: 2023-09-19. Review status: criteria provided, single submitter. Criteria: Invitae Variant Classification Sherloc (09022015). Collection method: clinical testing. Allele origin: germline.
Comment: This sequence change replaces lysine, which is basic and polar, with glutamic acid, which is acidic and polar, at codon 114 of the PDK3 protein (p.Lys114Glu). This variant is present in population databases (rs768094116, gnomAD 0.008%), including at least one homozygous and/or hemizygous individual. This variant has not been reported in the literature in individuals affected with PDK3-related conditions. Advanced modeling of protein sequence and biophysical properties (such as structural, functional, and spatial information, amino acid conservation, physicochemical variation, residue mobility, and thermodynamic stability) performed at Invitae indicates that this missense variant is not expected to disrupt PDK3 protein function. In summary, the available evidence is currently insufficient to determine the role of this variant in disease. Therefore, it has been classified as a Variant of Uncertain Significance.